The following is an entry in ClinVar:

ClinVar aggregate classification (germline): Uncertain significance. Review status: criteria provided, multiple submitters, no conflicts (2 of 4 stars). 3 submissions from 3 submitters: Uncertain significance (3). Last evaluated 2025-04-07.

Conditions:
Loeys-Dietz syndrome 2 (LDS2). Also called: Marfan Syndrome type 2; Marfan like connective tissue disorder; MFS 2; TGFBR2-Related Loeys-Dietz Syndrome; AORTIC ANEURYSM, FAMILIAL THORACIC 3; MARFAN SYNDROME, TYPE II. Identifiers: Orphanet 284973, Orphanet 558, MedGen C2674574, MONDO:0012427, OMIM 610168.

Allele frequency attached by ClinVar (database versions not stated): gnomAD 0.00001; gnomAD exomes 0.00001; ExAC 0.00002.
gnomAD v4.1: 16 of 1,613,982 alleles (0.00099%); highest among the groups gnomAD compares: Middle Eastern, 0.016%; no homozygotes.

Submissions (3):

Labcorp Genetics (formerly Invitae), Labcorp
Classification: Uncertain significance for Loeys-Dietz syndrome 2. Last evaluated: 2025-04-07. Review status: criteria provided, single submitter. Criteria: Invitae Variant Classification Sherloc (09022015). Collection method: clinical testing. Allele origin: germline.
Comment: This sequence change replaces serine, which is neutral and polar, with leucine, which is neutral and non-polar, at codon 293 of the TMPO protein (p.Ser293Leu). This variant is present in population databases (rs560525921, gnomAD 0.006%). This variant has not been reported in the literature in individuals affected with TMPO-related conditions. ClinVar contains an entry for this variant (Variation ID: 836425). Invitae Evidence Modeling of protein sequence and biophysical properties (such as structural, functional, and spatial information, amino acid conservation, physicochemical variation, residue mobility, and thermodynamic stability) indicates that this missense variant is not expected to disrupt TMPO protein function with a negative predictive value of 80%. In summary, the available evidence is currently insufficient to determine the role of this variant in disease. Therefore, it has been classified as a Variant of Uncertain Significance.

Ambry Genetics
Classification: Uncertain significance. Last evaluated: 2021-09-15. Review status: criteria provided, single submitter. Criteria: Ambry Variant Classification Scheme 2023. Collection method: clinical testing. Allele origin: germline.
Comment: The p.S293L variant (also known as c.878C>T), located in coding exon 4 of the TMPO gene, results from a C to T substitution at nucleotide position 878. The serine at codon 293 is replaced by leucine, an amino acid with dissimilar properties. This amino acid position is conserved. In addition, this alteration is predicted to be tolerated by in silico analysis. Since supporting evidence is limited at this time, the clinical significance of this alteration remains unclear.

GeneDx
Classification: Uncertain significance. Last evaluated: 2021-04-07. Review status: criteria provided, single submitter. Criteria: GeneDx Variant Classification Process June 2021. Collection method: clinical testing. Allele origin: germline. Affected: yes.
Comment: Not observed at a significant frequency in large population cohorts (Lek et al., 2016); In silico analysis supports that this missense variant does not alter protein structure/function; Has not been previously published as pathogenic or benign to our knowledge

NM_001032283.3(TMPO):c.565+1297C>T

Gene: TMPO (thymopoietin; plus strand). Cytogenetic location: 12q23.1.
Variant type: single nucleotide variant.
Coding change: c.565+1297C>T on transcript NM_001032283.3 (MANE Select); 1297 bases into the intron after coding-DNA position 565, C replaced by T.
Molecular consequence: intron variant. On other transcripts: missense variant (1).
Genome position (GRCh38, 1-based): chr12:98,533,135, C>T. VCF-style: chr12-98533135-C-T. GRCh37 (hg19) VCF-style: chr12-98926913-C-T.
Other names: c.878C>T, p.Ser293Leu (NM_003276.2); c.565+1297C>T (NM_001307975.2, NM_001032284.3); short protein forms S293L.
Identifiers: ClinVar variation 836425 (VCV000836425.14), dbSNP rs560525921, ClinGen allele CA6732305.